The following is an entry in ClinVar:

NM_014915.3(ANKRD26):c.4756A>G (p.Lys1586Glu)

Gene: ANKRD26 (ankyrin repeat domain containing 26; minus strand). Cytogenetic location: 10p12.1.
Variant type: single nucleotide variant.
Coding change: c.4756A>G on transcript NM_014915.3 (MANE Select); coding-DNA position 4756, A replaced by G.
Protein change: p.Lys1586Glu; replaces lysine 1586 with glutamic acid.
Molecular consequence: missense variant.
Genome position (GRCh38, 1-based): chr10:27,013,079, T>C on the plus strand (A>G on the coding strand, the complement: ANKRD26 is on the minus strand). VCF-style: chr10-27013079-T-C. GRCh37 (hg19) VCF-style: chr10-27302008-T-C.
Other names: c.4753A>G, p.Lys1585Glu (NM_001256053.2); short protein forms K1586E, K1585E.
Identifiers: ClinVar variation 3912879 (VCV003912879.1).

ClinVar aggregate classification (germline): Uncertain significance (1 of 4 stars; one submission).

Conditions:
Inborn genetic diseases. Identifiers: MedGen C0950123, MeSH D030342.

Submission:

Ambry Genetics
Classification: Uncertain significance for Inborn genetic diseases. Last evaluated: 2025-03-15. Review status: criteria provided, single submitter. Criteria: Ambry Variant Classification Scheme 2023. Collection method: clinical testing. Allele origin: germline.
Comment: The p.K1586E variant (also known as c.4756A>G), located in coding exon 32 of the ANKRD26 gene, results from an A to G substitution at nucleotide position 4756. The lysine at codon 1586 is replaced by glutamic acid, an amino acid with similar properties. This amino acid position is conserved. In addition, this alteration is predicted to be tolerated by in silico analysis. Based on the available evidence, the clinical significance of this variant remains unclear.